The following is an entry in ClinVar:

NM_000059.4(BRCA2):c.3811T>C (p.Ser1271Pro)

Gene: BRCA2 (BRCA2 DNA repair associated; plus strand). Cytogenetic location: 13q13.1.
Variant type: single nucleotide variant.
Coding change: c.3811T>C on transcript NM_000059.4 (MANE Select); coding-DNA position 3811, T replaced by C.
Protein change: p.Ser1271Pro; replaces serine 1271 with proline.
Molecular consequence: missense variant. On other transcripts: non-coding transcript variant (1), intron variant (2).
Genome position (GRCh38, 1-based): chr13:32,338,166, T>C. VCF-style: chr13-32338166-T-C. GRCh37 (hg19) VCF-style: chr13-32912303-T-C.
Other names: c.3811T>C, p.Ser1271Pro (NM_001406719.1, NM_001406720.1); c.1909+4779T>C (NM_001406721.1); c.425-6392T>C (NM_001406722.1); short protein forms S1271P.
Identifiers: ClinVar variation 2565987 (VCV002565987.2), dbSNP rs1157751493, ClinGen allele CA387778449.

ClinVar aggregate classification (germline): Uncertain significance (1 of 4 stars; one submission).

Conditions:
Hereditary cancer-predisposing syndrome. Also called: Neoplastic Syndromes, Hereditary; Hereditary Cancer Syndrome; Hereditary neoplastic syndrome; Tumor predisposition. Identifiers: Orphanet 140162, MedGen C0027672, MeSH D009386, MONDO:0015356.

Allele frequency attached by ClinVar (database versions not stated): gnomAD exomes below 0.00001; TOPMed below 0.00001.
gnomAD v4.1: 1 of 1,587,870 alleles (0.000063%); highest among the groups gnomAD compares: Non-Finnish European, 0.000086%; no homozygotes.

Submission:

Ambry Genetics
Classification: Uncertain significance for Hereditary cancer-predisposing syndrome. Last evaluated: 2023-04-25. Review status: criteria provided, single submitter. Criteria: Ambry Variant Classification Scheme 2023. Collection method: clinical testing. Allele origin: germline.
Comment: The p.S1271P variant (also known as c.3811T>C), located in coding exon 10 of the BRCA2 gene, results from a T to C substitution at nucleotide position 3811. The serine at codon 1271 is replaced by proline, an amino acid with similar properties. This amino acid position is well conserved in available vertebrate species. In addition, the in silico prediction for this alteration is inconclusive. Since supporting evidence is limited at this time, the clinical significance of this alteration remains unclear.